The following is an entry in ClinVar:

NM_001042492.3(NF1):c.5764_5768del (p.Leu1922fs)

Gene: NF1 (neurofibromin 1; plus strand). Cytogenetic location: 17q11.2.
Variant type: Deletion.
Coding change: c.5764_5768del on transcript NM_001042492.3 (MANE Select); coding-DNA positions 5764 to 5768, 5 bases deleted (CTCAC; older notation c.5764_5768delCTCAC).
Protein change: p.Leu1922fs; shifts the reading frame from leucine 1922.
Molecular consequence: frameshift variant.
Genome position (GRCh38, 1-based): chr17:31,330,450-31,330,454, CTCAC deleted; deleting any 5 consecutive bases within chr17:31,330,447-31,330,454 gives the same sequence; the c. name uses the placement nearest the transcript's 3' end. VCF-style (leftmost placement, unchanged base first): chr17-31330446-ACACCT-A. GRCh37 (hg19) VCF-style: chr17-29657464-ACACCT-A.
Other names: c.5701_5705delCTCAC, p.Leu1901Valfs (NM_000267.4); short protein forms L1901fs, L1922fs.
Identifiers: ClinVar variation 2023969 (VCV002023969.4), dbSNP rs2508719231, ClinGen allele CA2580093388.

ClinVar aggregate classification (germline): Pathogenic (1 of 4 stars; one submission).

Conditions:
Neurofibromatosis, type 1 (NF1). Also called: NEUROFIBROMATOSIS, TYPE I, SOMATIC; Neurofibromatosis, type I; Peripheral type neurofibromatosis; VON RECKLINGHAUSEN DISEASE. Identifiers: Orphanet 636, MedGen C0027831, MONDO:0018975, OMIM 162200. Disease mechanism: loss of function.

Submission:

Labcorp Genetics (formerly Invitae), Labcorp
Classification: Pathogenic for Neurofibromatosis, type 1. Last evaluated: 2022-08-13. Review status: criteria provided, single submitter. Criteria: Invitae Variant Classification Sherloc (09022015). Collection method: clinical testing. Allele origin: germline.
Comment: This sequence change creates a premature translational stop signal (p.Leu1901Valfs*12) in the NF1 gene. It is expected to result in an absent or disrupted protein product. Loss-of-function variants in NF1 are known to be pathogenic (PMID: 10712197, 23913538). For these reasons, this variant has been classified as Pathogenic. Algorithms developed to predict the effect of sequence changes on RNA splicing suggest that this variant may disrupt the consensus splice site. This variant has not been reported in the literature in individuals affected with NF1-related conditions. This variant is not present in population databases (gnomAD no frequency).

Literature cited by the submitters: PubMed 10712197; PubMed 23913538.